The following is an entry in ClinVar:

NM_001130823.3(DNMT1):c.*287T>C

Gene: DNMT1 (DNA methyltransferase 1; minus strand). Cytogenetic location: 19p13.2.
Variant type: single nucleotide variant.
Coding change: c.*287T>C on transcript NM_001130823.3 (MANE Select); 287 bases downstream of the stop codon, T replaced by C.
Molecular consequence: 3 prime UTR variant.
Genome position (GRCh38, 1-based): chr19:10,133,380, A>G on the plus strand (T>C on the coding strand, the complement: DNMT1 is on the minus strand). VCF-style: chr19-10133380-A-G. GRCh37 (hg19) VCF-style: chr19-10244056-A-G.
Other names: c.*287T>C (NM_001318730.2, NM_001318731.2, NM_001379.4).
Identifiers: ClinVar variation 891484 (VCV000891484.4), dbSNP rs189422259, ClinGen allele CA305216854.
Genomic context (GRCh38, chr19:10,133,380, plus strand): 5'-TGCAAATCACGAATACCCACCCAGGGTGGTTTATAGGAGAGATTTATTTGAAGAAATATT[A>G]CAACATATAAAAACTACATAAAGTCTTAATTTCCACTCATACAGTGGTAGATTTGATATA-3'

ClinVar aggregate classification (germline): Benign (1 of 4 stars; one submission).

Conditions:
Hereditary sensory neuropathy-deafness-dementia syndrome. Also called: Hereditary sensory neuropathy type IE; HSN IE; NEUROPATHY, HEREDITARY SENSORY, WITH HEARING LOSS AND DEMENTIA; Hereditary Sensory and Autonomic Neuropathy Type 1E (HSAN1E). Identifiers: Orphanet 456318, MedGen C3279885, MONDO:0013584, OMIM 614116.

Allele frequency attached by ClinVar (database versions not stated): gnomAD exomes 0.00012; gnomAD 0.00090 and 0.00098; 1000 Genomes Project 0.00100; TOPMed 0.00107; 1000 Genomes Project 30x 0.00109.
gnomAD v4.1: 178 of 502,820 alleles (0.035%); highest among the groups gnomAD compares: African/African-American, 0.32%; no homozygotes.

Submission:

Illumina Laboratory Services, Illumina
Classification: Benign for Hereditary sensory neuropathy-deafness-dementia syndrome. Last evaluated: 2018-01-13. Review status: criteria provided, single submitter. Criteria: ICSL Variant Classification Criteria 13 December 2019. Collection method: clinical testing. Allele origin: germline.
Comment: This variant was observed in the ICSL laboratory as part of a predisposition screen in an ostensibly healthy population. It had not been previously curated by ICSL or reported in the Human Gene Mutation Database (HGMD: prior to June 1st, 2018), and was therefore a candidate for classification through an automated scoring system. Utilizing variant allele frequency, disease prevalence and penetrance estimates, and inheritance mode, an automated score was calculated to assess if this variant is too frequent to cause the disease. Based on the score and internal cut-off values, a variant classified as benign is not then subjected to further curation. The score for this variant resulted in a classification of benign for this disease.